The following is an entry in ClinVar:

ClinVar aggregate classification (germline): Conflicting classifications of pathogenicity. Review status: criteria provided, conflicting classifications (1 of 4 stars). 2 submissions from 2 submitters: Pathogenic (1); Uncertain significance (1). Last evaluated 2024-06-24.

Conditions:
Spinocerebellar ataxia type 6 (SCA6). Identifiers: Orphanet 98758, MedGen C0752124, MONDO:0008457, OMIM 183086.

Submissions (2):

GeneDx
Classification: Pathogenic. Last evaluated: 2024-06-24. Review status: criteria provided, single submitter. Criteria: GeneDx Variant Classification Process June 2021. Collection method: clinical testing. Allele origin: germline. Affected: yes.
Comment: Not observed at significant frequency in large population cohorts (gnomAD); In silico analysis supports that this missense variant has a deleterious effect on protein structure/function; This variant is associated with the following publications: (PMID: 26814174, 29053796)

SIB Swiss Institute of Bioinformatics
Classification: Uncertain significance for Spinocerebellar ataxia type 6. Last evaluated: 2018-10-15. Review status: criteria provided, single submitter. Criteria: ACMG Guidelines, 2015. Collection method: curation. Allele origin: germline.
Comment: This variant is interpreted as Uncertain Significance - Insufficient Evidence, for Spinocerebellar ataxia 6, autosomal dominant. The following ACMG Tag(s) were applied: PM2 => Absent from controls (or at extremely low frequency if recessive) in Exome Sequencing Project, 1000 Genomes Project, or Exome Aggregation Consortium. PP3 => Multiple lines of computational evidence support a deleterious effect on the gene or gene product. PP1 => Cosegregation with disease in multiple affected family members in a gene definitively known to cause the disease (PubMed 29053796).

Literature cited by the submitters: PubMed 29053796 (cited by SIB Swiss Institute of Bioinformatics).

NM_001127222.2(CACNA1A):c.4009G>T (p.Asp1337Tyr)

Gene: CACNA1A (calcium voltage-gated channel subunit alpha1 A; minus strand). Cytogenetic location: 19p13.13.
Variant type: single nucleotide variant.
Coding change: c.4009G>T on transcript NM_001127222.2 (MANE Select); coding-DNA position 4009, G replaced by T.
Protein change: p.Asp1337Tyr; replaces aspartic acid 1337 with tyrosine.
Molecular consequence: missense variant.
Genome position (GRCh38, 1-based): chr19:13,262,814, C>A on the plus strand (G>T on the coding strand, the complement: CACNA1A is on the minus strand). VCF-style: chr19-13262814-C-A. GRCh37 (hg19) VCF-style: chr19-13373628-C-A.
Other names: c.4021G>T, p.Asp1341Tyr (NM_000068.4, NM_023035.3); c.4012G>T, p.Asp1338Tyr (NM_001127221.2, NM_001174080.2); c.4012G>T (NM_001127221.1); short protein forms D1338Y, D1341Y, D1337Y.
Identifiers: ClinVar variation 617927 (VCV000617927.2), dbSNP rs1568473283, ClinGen allele CA404340071.